The following is an entry in ClinVar:

NM_020987.5(ANK3):c.3973G>A (p.Glu1325Lys)

Gene: ANK3 (ankyrin 3; minus strand). Cytogenetic location: 10q21.2.
Variant type: single nucleotide variant.
Coding change: c.3973G>A on transcript NM_020987.5 (MANE Select); coding-DNA position 3973, G replaced by A.
Protein change: p.Glu1325Lys; replaces glutamic acid 1325 with lysine.
Molecular consequence: missense variant.
Genome position (GRCh38, 1-based): chr10:60,084,703, C>T on the plus strand (G>A on the coding strand, the complement: ANK3 is on the minus strand). VCF-style: chr10-60084703-C-T. GRCh37 (hg19) VCF-style: chr10-61844461-C-T.
Other names: c.1375G>A, p.Glu459Lys (NM_001149.4); c.3955G>A, p.Glu1319Lys (NM_001204403.2); c.3976G>A, p.Glu1326Lys (NM_001204404.2); c.3973G>A, p.Glu1325Lys (NM_001320874.2); short protein forms E1325K, E459K, E1319K, E1326K.
Identifiers: ClinVar variation 3119859 (VCV003119859.1), dbSNP rs2492648094, ClinGen allele CA376985336.

ClinVar aggregate classification (germline): Uncertain significance (1 of 4 stars; one submission).

Conditions:
Inborn genetic diseases. Identifiers: MedGen C0950123, MeSH D030342.

Submission:

Ambry Genetics
Classification: Uncertain significance for Inborn genetic diseases. Last evaluated: 2023-12-04. Review status: criteria provided, single submitter. Criteria: Ambry Variant Classification Scheme 2023. Collection method: clinical testing. Allele origin: germline.
Comment: The c.3973G>A (p.E1325K) alteration is located in exon 32 (coding exon 32) of the ANK3 gene. This alteration results from a G to A substitution at nucleotide position 3973, causing the glutamic acid (E) at amino acid position 1325 to be replaced by a lysine (K). This variant was not reported in population-based cohorts in the Genome Aggregation Database (gnomAD). This amino acid position is highly conserved in available vertebrate species. This alteration is predicted to be deleterious by in silico analysis. Based on insufficient or conflicting evidence, the clinical significance of this alteration remains unclear.